The following is an entry in ClinVar:

ClinVar aggregate classification (germline): Conflicting classifications of pathogenicity. Review status: criteria provided, conflicting classifications (1 of 4 stars). 2 submissions from 2 submitters: Uncertain significance (1); Likely benign (1). Last evaluated 2025-06-01.

Allele frequency attached by ClinVar (database versions not stated): ExAC 0.00001; gnomAD 0.00001; TOPMed 0.00002.
gnomAD v4.1: 56 of 1,588,252 alleles (0.0035%); highest among the groups gnomAD compares: Non-Finnish European, 0.0048%; no homozygotes.

Submissions (3):

CeGaT Center for Human Genetics Tuebingen
Classification: Likely benign. Last evaluated: 2025-06-01. Review status: criteria provided, single submitter. Criteria: CeGaT Center For Human Genetics Tuebingen Variant Classification Criteria Version 2. Collection method: clinical testing. Allele origin: germline. Affected: yes. Observed: 1 variant allele.
Comment: KIDINS220: BP4

Labcorp Genetics (formerly Invitae), Labcorp
Classification: Uncertain significance. Last evaluated: 2022-11-14. Review status: criteria provided, single submitter. Criteria: Invitae Variant Classification Sherloc (09022015). Collection method: clinical testing. Allele origin: germline.
Comment: This variant has not been reported in the literature in individuals affected with KIDINS220-related conditions. Variants that disrupt the consensus splice site are a relatively common cause of aberrant splicing (PMID: 17576681, 9536098). Algorithms developed to predict the effect of sequence changes on RNA splicing suggest that this variant may create or strengthen a splice site. In summary, the available evidence is currently insufficient to determine the role of this variant in disease. Therefore, it has been classified as a Variant of Uncertain Significance. This sequence change falls in intron 9 of the KIDINS220 gene. It does not directly change the encoded amino acid sequence of the KIDINS220 protein. It affects a nucleotide within the consensus splice site. This variant is present in population databases (rs772773265, gnomAD 0.003%).

Dr. Peter K. Rogan Lab, Western University
No classification provided (evidence only). Condition: Clear cell carcinoma of kidney. Review status: no classification provided. Collection method: in vitro. Allele origin: not applicable. Functional consequence: retained intron. Not counted in ClinVar's aggregate classification.

Literature cited by the submitters: PubMed 17576681 (cited by Labcorp Genetics (formerly Invitae), Labcorp); PubMed 9536098 (cited by Labcorp Genetics (formerly Invitae), Labcorp).

NM_020738.4(KIDINS220):c.900+5G>T

Gene: KIDINS220 (kinase D interacting substrate 220; minus strand). Cytogenetic location: 2p25.1.
Variant type: single nucleotide variant.
Coding change: c.900+5G>T on transcript NM_020738.4 (MANE Select); 5 bases into the intron after coding-DNA position 900, G replaced by T.
Molecular consequence: intron variant.
Genome position (GRCh38, 1-based): chr2:8,800,395, C>A on the plus strand (G>T on the coding strand, the complement: KIDINS220 is on the minus strand). VCF-style: chr2-8800395-C-A. GRCh37 (hg19) VCF-style: chr2-8940525-C-A.
Other names: c.900+5G>T (NM_001348741.2, NM_001348738.2, NM_001348742.2 and 3 more transcripts); c.903+5G>T (NM_001348739.2, NM_001348740.2, NM_001348734.2 and 3 more transcripts); c.774+5G>T (NM_001348736.2).
Identifiers: ClinVar variation 2887078 (VCV002887078.14), dbSNP rs772773265, ClinGen allele CA1520321.